The following is an entry in ClinVar:

ClinVar aggregate classification (germline): Uncertain significance. Review status: criteria provided, multiple submitters, no conflicts (2 of 4 stars). 4 submissions from 4 submitters: Uncertain significance (3). 1 of the submissions does not count toward it. Last evaluated 2024-11-21.

Conditions:
Hereditary cancer-predisposing syndrome. Also called: Hereditary Cancer Syndrome; Hereditary neoplastic syndrome; Neoplastic Syndromes, Hereditary; Tumor predisposition. Identifiers: Orphanet 140162, MedGen C0027672, MeSH D009386, MONDO:0015356.
Microcephaly, normal intelligence and immunodeficiency (NBS). Also called: Ataxia telangiectasia variant V1; IMMUNODEFICIENCY, MICROCEPHALY, AND CHROMOSOMAL INSTABILITY; SEEMANOVA SYNDROME II; Nijmegen breakage syndrome; Microcephaly with normal intelligence immunodeficiency and lymphoreticular malignancies; Nonsyndromal microcephaly autosomal recessive with normal intelligence. Identifiers: Orphanet 647, MedGen C0398791, MONDO:0009623, OMIM 251260.

Submissions (4):

Ambry Genetics
Classification: Uncertain significance for Hereditary cancer-predisposing syndrome. Last evaluated: 2024-11-21. Review status: criteria provided, single submitter. Criteria: Ambry Variant Classification Scheme 2023. Collection method: clinical testing. Allele origin: germline.
Comment: The c.1104_1109delATCAGA variant (also known as p.S369_E370del) is located in coding exon 9 of the NBN gene. This variant results from an in-frame ATCAGA deletion at nucleotide positions 1104 to 1109. This results in the in-frame deletion of a serine residue and a glutamate residue at codons 369 through 370. This amino acid region is well conserved in available vertebrate species. In addition, this alteration is predicted to be deleterious by in silico analysis (Choi Y et al. PLoS ONE. 2012; 7(10):e46688). Based on the available evidence, the clinical significance of this variant remains unclear.

Genome-Nilou Lab
Classification: Uncertain significance for Microcephaly, normal intelligence and immunodeficiency. Last evaluated: 2021-11-07. Review status: criteria provided, single submitter. Criteria: ACMG Guidelines, 2015. Collection method: clinical testing. Allele origin: germline. Affected: no.

Labcorp Genetics (formerly Invitae), Labcorp
Classification: Uncertain significance for Microcephaly, normal intelligence and immunodeficiency. Last evaluated: 2021-08-30. Review status: criteria provided, single submitter. Criteria: Invitae Variant Classification Sherloc (09022015). Collection method: clinical testing. Allele origin: germline.
Comment: This variant, c.1104_1109del, results in the deletion of 2 amino acid(s) of the NBN protein (p.Ser369_Glu370del), but otherwise preserves the integrity of the reading frame. This variant is not present in population databases (ExAC no frequency). This variant has not been reported in the literature in individuals affected with NBN-related conditions. ClinVar contains an entry for this variant (Variation ID: 553351). Experimental studies and prediction algorithms are not available or were not evaluated, and the functional significance of this variant is currently unknown. In summary, the available evidence is currently insufficient to determine the role of this variant in disease. Therefore, it has been classified as a Variant of Uncertain Significance.

Counsyl
Classification: Uncertain significance for Microcephaly, normal intelligence and immunodeficiency. Last evaluated: 2017-08-16. Review status: no assertion criteria provided. Collection method: clinical testing. Allele origin: unknown. Not counted in ClinVar's aggregate classification.

NM_002485.5(NBN):c.1104_1109del (p.Ser369_Glu370del)

Gene: NBN (nibrin; minus strand). Cytogenetic location: 8q21.3.
Variant type: Deletion.
Coding change: c.1104_1109del on transcript NM_002485.5 (MANE Select); coding-DNA positions 1104 to 1109, 6 bases deleted (ATCAGA; older notation c.1104_1109delATCAGA).
Protein change: p.Ser369_Glu370del.
Molecular consequence: inframe deletion.
Genome position (GRCh38, 1-based): chr8:89,958,740-89,958,745, TCTGAT deleted on the plus strand (ATCAGA on the coding strand, the reverse complement: NBN is on the minus strand); deleting any 6 consecutive bases within chr8:89,958,740-89,958,749 gives the same sequence; the c. name uses the placement nearest the transcript's 3' end. VCF-style (leftmost placement, unchanged base first): chr8-89958739-CTCTGAT-C. GRCh37 (hg19) VCF-style: chr8-90970967-CTCTGAT-C.
Other names: c.1104_1109delATCAGA (NM_002485.4); c.858_863del, p.Ser287_Glu288del (NM_001024688.3); c.1104_1109del6 (NM_002485.4).
Identifiers: ClinVar variation 553351 (VCV000553351.11), dbSNP rs1425019959, ClinGen allele CA658822451.